The following is an entry in ClinVar:

ClinVar aggregate classification (germline): Benign/Likely benign. Review status: criteria provided, multiple submitters, no conflicts (2 of 4 stars). 3 submissions from 3 submitters: Benign (2); Likely benign (1). Last evaluated 2021-03-05.

Conditions:
Nephronophthisis 9 (NPHP9). Identifiers: Orphanet 655, MedGen C3151188, MONDO:0013444, OMIM 613824.

Allele frequency attached by ClinVar (database versions not stated): gnomAD exomes 0.00078 and 0.00213; ExAC 0.00277; gnomAD 0.00813 and 0.00876; ESP Exome Variant Server 0.00884; TOPMed 0.00917; 1000 Genomes Project 0.00978; 1000 Genomes Project 30x 0.01093.
gnomAD v4.1: 2,411 of 1,612,518 alleles (0.15%); highest among the groups gnomAD compares: African/African-American, 2.9%; 33 homozygotes.

Submissions (3):

GeneDx
Classification: Likely benign. Last evaluated: 2021-03-05. Review status: criteria provided, single submitter. Criteria: GeneDx Variant Classification Process June 2021. Collection method: clinical testing. Allele origin: germline. Affected: yes.
Comment: See Variant Classification Assertion Criteria.

Illumina Laboratory Services, Illumina
Classification: Benign for Nephronophthisis 9. Last evaluated: 2018-01-12. Review status: criteria provided, single submitter. Criteria: ICSL Variant Classification Criteria 13 December 2019. Collection method: clinical testing. Allele origin: germline.
Comment: This variant was observed in the ICSL laboratory as part of a predisposition screen in an ostensibly healthy population. It had not been previously curated by ICSL or reported in the Human Gene Mutation Database (HGMD: prior to June 1st, 2018), and was therefore a candidate for classification through an automated scoring system. Utilizing variant allele frequency, disease prevalence and penetrance estimates, and inheritance mode, an automated score was calculated to assess if this variant is too frequent to cause the disease. Based on the score and internal cut-off values, a variant classified as benign is not then subjected to further curation. The score for this variant resulted in a classification of benign for this disease.

Breakthrough Genomics
Classification: Benign. Review status: criteria provided, single submitter. Criteria: ACMG Guidelines, 2015. Collection method: not provided. Allele origin: germline. Inheritance: Autosomal recessive inheritance. Affected: yes.

NM_178170.3(NEK8):c.*19T>C

Gene: NEK8 (NIMA related kinase 8; plus strand). Cytogenetic location: 17q11.2.
Variant type: single nucleotide variant.
Coding change: c.*19T>C on transcript NM_178170.3 (MANE Select); 19 bases downstream of the stop codon, T replaced by C.
Molecular consequence: 3 prime UTR variant.
Genome position (GRCh38, 1-based): chr17:28,742,006, T>C. VCF-style: chr17-28742006-T-C. GRCh37 (hg19) VCF-style: chr17-27069024-T-C.
Identifiers: ClinVar variation 889768 (VCV000889768.6), dbSNP rs75850216, ClinGen allele CA8467670.